The following is an entry in ClinVar:

ClinVar aggregate classification (germline): Uncertain significance (1 of 4 stars; one submission).

Conditions:
Hereditary cancer-predisposing syndrome. Also called: Neoplastic Syndromes, Hereditary; Tumor predisposition; Hereditary neoplastic syndrome; Hereditary Cancer Syndrome. Identifiers: Orphanet 140162, MedGen C0027672, MeSH D009386, MONDO:0015356.

gnomAD v4.1: 5 of 1,613,698 alleles (0.00031%); highest among the groups gnomAD compares: Non-Finnish European, 0.00042%; no homozygotes.

Submission:

Ambry Genetics
Classification: Uncertain significance for Hereditary cancer-predisposing syndrome. Last evaluated: 2026-07-21. Review status: criteria provided, single submitter. Criteria: Ambry Variant Classification Scheme 2023. Collection method: clinical testing. Allele origin: germline.
Comment: The c.3795+3A>G intronic variant results from an A to G substitution 3 nucleotides after coding exon 30 in the POLE gene. This nucleotide position is not well conserved in available vertebrate species. In silico splice site analysis predicts that this alteration will not have any significant effect on splicing. Based on the available evidence, the clinical significance of this variant remains unclear.

NM_006231.4(POLE):c.3795+3A>G

Gene: POLE (DNA polymerase epsilon, catalytic subunit; minus strand). Cytogenetic location: 12q24.33.
Variant type: single nucleotide variant.
Coding change: c.3795+3A>G on transcript NM_006231.4 (MANE Select); 3 bases into the intron after coding-DNA position 3795, A replaced by G.
Molecular consequence: intron variant.
Genome position (GRCh38, 1-based): chr12:132,649,674, T>C on the plus strand (A>G on the coding strand, the complement: POLE is on the minus strand). VCF-style: chr12-132649674-T-C. GRCh37 (hg19) VCF-style: chr12-133226260-T-C.
Identifiers: ClinVar variation 5027078 (VCV005027078.1).
Genomic context (GRCh38, chr12:132,649,674, plus strand): 5'-CTCGGGCTCCCTGGGCTGTGCAGACCCCTCAGAGACAGACAGTATCACAGCTGTGTGCCT[T>C]ACCTGGCTGGTTCCCAGGGCGGGAGGCTGCCCCAAGATTTCCTGCCAGGGCACAGTCGGC-3'